The following is an entry in ClinVar:

NM_172107.4(KCNQ2):c.2613G>T (p.Arg871Ser)

Gene: KCNQ2 (potassium voltage-gated channel subfamily Q member 2; minus strand). Cytogenetic location: 20q13.33.
Variant type: single nucleotide variant.
Coding change: c.2613G>T on transcript NM_172107.4 (MANE Select); coding-DNA position 2613, G replaced by T.
Protein change: p.Arg871Ser; replaces arginine 871 with serine.
Molecular consequence: missense variant.
Genome position (GRCh38, 1-based): chr20:63,406,650, C>A on the plus strand (G>T on the coding strand, the complement: KCNQ2 is on the minus strand). VCF-style: chr20-63406650-C-A. GRCh37 (hg19) VCF-style: chr20-62038003-C-A.
Other names: p.R871S:AGG>AGT; c.2529G>T, p.Arg843Ser (NM_004518.6); c.2559G>T, p.Arg853Ser (NM_172106.3); c.2520G>T, p.Arg840Ser (NM_172108.5); short protein forms R871S, R853S, R840S, R843S.
Identifiers: ClinVar variation 129343 (VCV000129343.28), dbSNP rs587780369, ClinGen allele CA288935.

ClinVar aggregate classification (germline): Benign/Likely benign. Review status: criteria provided, multiple submitters, no conflicts (2 of 4 stars). 9 submissions from 9 submitters: Benign (1); Likely benign (7). 1 of the submissions does not count toward it. Last evaluated 2026-08-01.

Conditions:
Early-infantile DEE. Also called: Early infantile epileptic encephalopathy; Ohtahara syndrome; Early infantile epileptic encephalopathy with suppression bursts. Identifiers: Orphanet 1934, MedGen C0393706, MONDO:0800491.
Developmental and epileptic encephalopathy, 7 (DEE7). Also called: KCNQ2-Related Neonatal-Onset Developmental and Epileptic Encephalopathy (NEO-DEE); Early infantile epileptic encephalopathy 7; KCNQ2-Related Neonatal Epileptic Encephalopathy. Identifiers: Orphanet 439218, MedGen C3150986, MONDO:0013387, OMIM 613720.
Seizures, benign familial neonatal, 1. Also called: KCNQ2-Related Self-Limited Familial Neonatal Epilepsy (SLFNE); Seizures, benign neonatal, 1; Benign Neonatal Epilepsy 1; KCNQ2-Related Benign Familial Neonatal Epilepsy. Identifiers: Orphanet 1949, MedGen C3149074, MONDO:0007365, OMIM 121200.

Allele frequency attached by ClinVar (database versions not stated): gnomAD exomes 0.00010 and 0.00005; ExAC 0.00030; TOPMed 0.00006; gnomAD 0.00007 and 0.00008.
gnomAD v4.1: 86 of 1,591,312 alleles (0.0054%); highest among the groups gnomAD compares: South Asian, 0.0067%; no homozygotes.

Submissions (9):

CeGaT Center for Human Genetics Tuebingen
Classification: Likely benign. Last evaluated: 2026-08-01. Review status: criteria provided, single submitter. Criteria: CeGaT Center For Human Genetics Tuebingen Variant Classification Criteria Version 2. Collection method: clinical testing. Allele origin: germline. Affected: yes. Observed: 2 variant alleles.
Comment: KCNQ2: BS2

Labcorp Genetics (formerly Invitae), Labcorp
Classification: Likely benign for Early-infantile DEE. Last evaluated: 2025-12-19. Review status: criteria provided, single submitter. Criteria: Invitae Variant Classification Sherloc (09022015). Collection method: clinical testing. Allele origin: germline.

Blueprint Genetics
Classification: Likely benign. Last evaluated: 2023-12-18. Review status: criteria provided, single submitter. Criteria: ACMG Guidelines, 2015. Collection method: clinical testing. Allele origin: germline.

Mendelics
Classification: Benign for Seizures, benign familial neonatal, 1. Last evaluated: 2019-05-28. Review status: criteria provided, single submitter. Criteria: Mendelics Assertion Criteria 2017. Collection method: clinical testing. Allele origin: unknown.

GeneDx
Classification: Likely benign. Last evaluated: 2016-02-17. Review status: criteria provided, single submitter. Criteria: GeneDx Variant Classification (06012015). Collection method: clinical testing. Allele origin: germline. Affected: yes.
Comment: This variant is considered likely benign or benign based on one or more of the following criteria: it is a conservative change, it occurs at a poorly conserved position in the protein, it is predicted to be benign by multiple in silico algorithms, and/or has population frequency not consistent with disease.

Eurofins Ntd Llc (ga)
Classification: Likely benign. Last evaluated: 2015-11-24. Review status: criteria provided, single submitter. Criteria: EGL Classification Definitions 2015. Collection method: clinical testing. Allele origin: germline. Observed: 2 variant alleles, 2 heterozygotes.

Genetic Services Laboratory, University of Chicago
Classification: Likely benign for AllHighlyPenetrant. Last evaluated: 2014-03-31. Review status: criteria provided, single submitter. Criteria: ACMG Guidelines, 2007. Collection method: clinical testing. Allele origin: germline. Inheritance: Autosomal dominant inheritance.

Breakthrough Genomics
Classification: Likely benign. Review status: criteria provided, single submitter. Criteria: ACMG Guidelines, 2015. Collection method: not provided. Allele origin: germline. Inheritance: Autosomal dominant inheritance. Affected: yes.

GeneReviews
No classification provided. Condition: Developmental and epileptic encephalopathy, 7. Review status: no classification provided. Collection method: literature only. Allele origin: germline. Affected: yes. Not counted in ClinVar's aggregate classification.
Comment: EE (epileptic encephalopathy)

Literature cited by the submitters: PubMed 25959266 (cited by Eurofins Ntd Llc (ga) and GeneReviews); NCBI Bookshelf NBK32534 (cited by GeneReviews).